The following is an entry in ClinVar:

ClinVar aggregate classification (germline): Pathogenic (1 of 4 stars; one submission).

Submission:

Labcorp Genetics (formerly Invitae), Labcorp
Classification: Pathogenic. Last evaluated: 2022-06-13. Review status: criteria provided, single submitter. Criteria: Invitae Variant Classification Sherloc (09022015). Collection method: clinical testing. Allele origin: germline.
Comment: This variant is not present in population databases (gnomAD no frequency). For these reasons, this variant has been classified as Pathogenic. This variant has not been reported in the literature in individuals affected with CACNA1F-related conditions. This sequence change creates a premature translational stop signal (p.Arg1507*) in the CACNA1F gene. It is expected to result in an absent or disrupted protein product. Loss-of-function variants in CACNA1F are known to be pathogenic (PMID: 9662399, 11281458, 17525176, 22194652, 24124559, 26992781).

Literature cited by the submitters: PubMed 9662399; PubMed 11281458; PubMed 17525176; PubMed 22194652; PubMed 24124559; PubMed 26992781.

NM_001256789.3(CACNA1F):c.4486A>T (p.Arg1496Ter)

Genes: CACNA1F (calcium voltage-gated channel subunit alpha1 F; minus strand), LOC126863257 (BRD4-independent group 4 enhancer GRCh37_chrX:49065732-49066931; plus strand). Cytogenetic location: Xp11.23.
Variant type: single nucleotide variant.
Coding change: c.4486A>T on transcript NM_001256789.3 (MANE Select); coding-DNA position 4486, A replaced by T.
Protein change: p.Arg1496Ter; replaces arginine 1496 with a stop codon.
Molecular consequence: nonsense.
Genome position (GRCh38, 1-based): chrX:49,210,403, T>A on the plus strand (A>T on the coding strand, the complement: CACNA1F is on the minus strand). VCF-style: chrX-49210403-T-A. GRCh37 (hg19) VCF-style: chrX-49066863-T-A.
Other names: c.4324A>T, p.Arg1442Ter (NM_001256790.3); c.4519A>T, p.Arg1507Ter (NM_005183.4); short protein forms R1507*, R1442*, R1496*.
Identifiers: ClinVar variation 1457082 (VCV001457082.6), dbSNP rs2147895764, ClinGen allele CA412960905.
Genomic context (GRCh38, chrX:49,210,403, plus strand): 5'-GTGTGGCGTTGAATGTCACCGTCCCATCTGAGTTGAGGGGCATGTTCATTGCCACAAGTC[T>A]CTGCAAACACGAGAGACATGAAACCCACTCTGGGAAAATGCCGGGTATGCAGGAACGAAT-3'